The following is an entry in ClinVar:

NM_182914.3(SYNE2):c.20470-60_20470-59del

Gene: SYNE2 (spectrin repeat containing nuclear envelope protein 2; plus strand). Cytogenetic location: 14q23.2.
Variant type: Deletion.
Coding change: c.20470-60_20470-59del on transcript NM_182914.3 (MANE Select); 60 bases into the intron before coding-DNA position 20470 through 59 bases into the intron before coding-DNA position 20470, 2 bases deleted (TT; older notation c.20470-60_20470-59delTT).
Molecular consequence: intron variant.
Genome position (GRCh38, 1-based): chr14:64,224,939-64,224,940, TT deleted; deleting any 2 consecutive bases within chr14:64,224,927-64,224,940 gives the same sequence; the c. name uses the placement nearest the transcript's 3' end. VCF-style (leftmost placement, unchanged base first): chr14-64224926-ATT-A. GRCh37 (hg19) VCF-style: chr14-64691644-ATT-A.
Other names: c.20401-57_20401-56del (NM_015180.6); c.1414-57_1414-56del (NM_182913.4); c.1036-60_1036-59del (NM_182910.2).
Identifiers: ClinVar variation 4795562 (VCV004795562.1).

ClinVar aggregate classification (germline): Likely benign (1 of 4 stars; one submission).

Submission:

GeneDx
Classification: Likely benign. Last evaluated: 2020-12-04. Review status: criteria provided, single submitter. Criteria: GeneDx Variant Classification Process June 2021. Collection method: clinical testing. Allele origin: germline. Affected: yes.
Comment: See Variant Classification Assertion Criteria.